The following is an entry in ClinVar:

NM_020911.2(PLXNA4):c.1950C>A (p.Ser650Arg)

Gene: PLXNA4 (plexin A4; minus strand). Cytogenetic location: 7q32.3.
Variant type: single nucleotide variant.
Coding change: c.1950C>A on transcript NM_020911.2 (MANE Select); coding-DNA position 1950, C replaced by A.
Protein change: p.Ser650Arg; replaces serine 650 with arginine.
Molecular consequence: missense variant.
Genome position (GRCh38, 1-based): chr7:132,226,193, G>T on the plus strand (C>A on the coding strand, the complement: PLXNA4 is on the minus strand). VCF-style: chr7-132226193-G-T. GRCh37 (hg19) VCF-style: chr7-131910952-G-T.
Other names: c.1950C>A, p.Ser650Arg (NM_001393897.1); short protein forms S650R.
Identifiers: ClinVar variation 4995657 (VCV004995657.1).

ClinVar aggregate classification (germline): Uncertain significance (1 of 4 stars; one submission).

Conditions:
PLXNA4-related disorder. Also called: PLXNA4-related condition.

gnomAD v4.1: 3 of 1,614,026 alleles (0.00019%); highest among the groups gnomAD compares: South Asian, 0.0022%; no homozygotes.

Submission:

PreventionGenetics, part of Exact Sciences
Classification: Uncertain significance for PLXNA4-related condition. Last evaluated: 2026-01-27. Review status: criteria provided, single submitter. Criteria: ACMG Guidelines, 2015. Collection method: clinical testing. Allele origin: germline.
Comment: The PLXNA4 c.1950C>A variant is predicted to result in the amino acid substitution p.Ser650Arg. To our knowledge, this variant has not been reported in the literature. This variant is reported in 0.00088% of alleles in individuals of European (Non-Finnish) descent in gnomAD. At this time, the clinical significance of this variant is uncertain due to the absence of conclusive functional and genetic evidence.